The following is an entry in ClinVar:

ClinVar aggregate classification (germline): Benign (1 of 4 stars; one submission).

Conditions:
Focal segmental glomerulosclerosis 3, susceptibility to (FSGS3). Identifiers: Orphanet 656, MedGen C1842982, MONDO:0011917, OMIM 607832.

Allele frequency attached by ClinVar (database versions not stated): 1000 Genomes Project 0.00120; 1000 Genomes Project 30x 0.00141; gnomAD 0.00197; TOPMed 0.00199.

Submission:

Illumina Laboratory Services, Illumina
Classification: Benign for Focal segmental glomerulosclerosis 3, susceptibility to. Last evaluated: 2018-01-13. Review status: criteria provided, single submitter. Criteria: ICSL Variant Classification Criteria 13 December 2019. Collection method: clinical testing. Allele origin: germline.
Comment: This variant was observed in the ICSL laboratory as part of a predisposition screen in an ostensibly healthy population. It had not been previously curated by ICSL or reported in the Human Gene Mutation Database (HGMD: prior to June 1st, 2018), and was therefore a candidate for classification through an automated scoring system. Utilizing variant allele frequency, disease prevalence and penetrance estimates, and inheritance mode, an automated score was calculated to assess if this variant is too frequent to cause the disease. Based on the score and internal cut-off values, a variant classified as benign is not then subjected to further curation. The score for this variant resulted in a classification of benign for this disease.

NM_012120.3(CD2AP):c.*828G>C

Gene: CD2AP (CD2 associated protein; plus strand). Cytogenetic location: 6p12.3.
Variant type: single nucleotide variant.
Coding change: c.*828G>C on transcript NM_012120.3 (MANE Select); 828 bases downstream of the stop codon, G replaced by C.
Molecular consequence: 3 prime UTR variant.
Genome position (GRCh38, 1-based): chr6:47,625,055, G>C. VCF-style: chr6-47625055-G-C. GRCh37 (hg19) VCF-style: chr6-47592791-G-C.
Identifiers: ClinVar variation 357214 (VCV000357214.5), dbSNP rs187393492, ClinGen allele CA10627158.
Genomic context (GRCh38, chr6:47,625,055, plus strand): 5'-ACTGTATTTTAAATTTGTTAGGTCTGAAGAATCTAAAACTGTTAATTTAACCCTTAACTT[G>C]TGCCTAGAAACTACAGCACATATAAAATATGTAAACACCAGCCTGTTGCTGTACTTTTCT-3'